The following is an entry in ClinVar:

ClinVar aggregate classification (germline): Likely benign. Review status: criteria provided, multiple submitters, no conflicts (2 of 4 stars). 4 submissions from 4 submitters: Likely benign (4). Last evaluated 2025-10-07.

Allele frequency attached by ClinVar (database versions not stated): ESP Exome Variant Server 0.00008; TOPMed 0.00009; gnomAD 0.00010; gnomAD exomes 0.00011 and 0.00026; ExAC 0.00021.
gnomAD v4.1: 189 of 1,611,172 alleles (0.012%); highest among the groups gnomAD compares: Admixed American, 0.0017%; no homozygotes.

Submissions (4):

Labcorp Genetics (formerly Invitae), Labcorp
Classification: Likely benign. Last evaluated: 2025-10-07. Review status: criteria provided, single submitter. Criteria: Invitae Variant Classification Sherloc (09022015). Collection method: clinical testing. Allele origin: germline.

Blueprint Genetics
Classification: Likely benign. Last evaluated: 2024-09-18. Review status: criteria provided, single submitter. Criteria: ACMG Guidelines, 2015. Collection method: clinical testing. Allele origin: germline.

GeneDx
Classification: Likely benign. Last evaluated: 2021-06-14. Review status: criteria provided, single submitter. Criteria: GeneDx Variant Classification Process June 2021. Collection method: clinical testing. Allele origin: germline. Affected: yes.
Comment: This variant is associated with the following publications: (PMID: 26455304)

Ambry Genetics
Classification: Likely benign. Last evaluated: 2020-08-12. Review status: criteria provided, single submitter. Criteria: Ambry Variant Classification Scheme 2023. Collection method: clinical testing. Allele origin: germline.

NM_002907.4(RECQL):c.1657C>A (p.Gln553Lys)

Gene: RECQL (RecQ like helicase; minus strand). Cytogenetic location: 12p12.1.
Variant type: single nucleotide variant.
Coding change: c.1657C>A on transcript NM_002907.4 (MANE Select); coding-DNA position 1657, C replaced by A.
Protein change: p.Gln553Lys; replaces glutamine 553 with lysine.
Molecular consequence: missense variant.
Genome position (GRCh38, 1-based): chr12:21,471,438, G>T on the plus strand (C>A on the coding strand, the complement: RECQL is on the minus strand). VCF-style: chr12-21471438-G-T. GRCh37 (hg19) VCF-style: chr12-21624372-G-T.
Other names: c.1657C>A, p.Gln553Lys (NM_032941.3); short protein forms Q553K.
Identifiers: ClinVar variation 515055 (VCV000515055.15), dbSNP rs202203602, ClinGen allele CA6478698.